The following is an entry in ClinVar:

NM_182961.4(SYNE1):c.2446C>A (p.Pro816Thr)

Gene: SYNE1 (spectrin repeat containing nuclear envelope protein 1; minus strand). Cytogenetic location: 6q25.2.
Variant type: single nucleotide variant.
Coding change: c.2446C>A on transcript NM_182961.4 (MANE Select); coding-DNA position 2446, C replaced by A.
Protein change: p.Pro816Thr; replaces proline 816 with threonine.
Molecular consequence: missense variant.
Genome position (GRCh38, 1-based): chr6:152,458,879, G>T on the plus strand (C>A on the coding strand, the complement: SYNE1 is on the minus strand). VCF-style: chr6-152458879-G-T. GRCh37 (hg19) VCF-style: chr6-152780014-G-T.
Other names: c.2467C>A, p.Pro823Thr (NM_033071.5); short protein forms P816T, P823T.
Identifiers: ClinVar variation 1001676 (VCV001001676.9), dbSNP rs2098714101, ClinGen allele CA366117753.

ClinVar aggregate classification (germline): Uncertain significance (1 of 4 stars; one submission).

Conditions:
Autosomal recessive ataxia, Beauce type. Also called: ATAXIA, RECESSIVE, OF BEAUCE; Spinocerebellar ataxia, autosomal recessive 8; SYNE1-Related Autosomal Recessive Cerebellar Ataxia; SYNE1 Deficiency. Identifiers: Orphanet 88644, MedGen C1853116, MONDO:0012549, OMIM 610743.
Emery-Dreifuss muscular dystrophy 4, autosomal dominant (EDMD4). Also called: EMERY-DREIFUSS MUSCULAR DYSTROPHY 4 WITH VARIABLE FEATURES. Identifiers: Orphanet 261, MedGen C2751807, MONDO:0013071, OMIM 612998.

Submission:

Labcorp Genetics (formerly Invitae), Labcorp
Classification: Uncertain significance for Emery-Dreifuss muscular dystrophy 4, autosomal dominant; Autosomal recessive ataxia, Beauce type. Last evaluated: 2020-04-24. Review status: criteria provided, single submitter. Criteria: Invitae Variant Classification Sherloc (09022015). Collection method: clinical testing. Allele origin: germline.
Comment: This sequence change replaces proline with threonine at codon 823 of the SYNE1 protein (p.Pro823Thr). The proline residue is highly conserved and there is a small physicochemical difference between proline and threonine. In summary, the available evidence is currently insufficient to determine the role of this variant in disease. Therefore, it has been classified as a Variant of Uncertain Significance. Algorithms developed to predict the effect of missense changes on protein structure and function are either unavailable or do not agree on the potential impact of this missense change (SIFT: "Deleterious"; PolyPhen-2: "Probably Damaging"; Align-GVGD: "Class C0"). This variant has not been reported in the literature in individuals with SYNE1-related conditions. This variant is not present in population databases (ExAC no frequency).